The following is an entry in ClinVar:

NM_000169.3(GLA):c.170A>C (p.Gln57Pro)

Genes: GLA (galactosidase alpha; minus strand), RPL36A-HNRNPH2 (RPL36A-HNRNPH2 readthrough; plus strand). Cytogenetic location: Xq22.1.
Variant type: single nucleotide variant.
Coding change: c.170A>C on transcript NM_000169.3 (MANE Select); coding-DNA position 170, A replaced by C.
Protein change: p.Gln57Pro; replaces glutamine 57 with proline.
Molecular consequence: missense variant. On other transcripts: intron variant (2), non-coding transcript variant (3).
Genome position (GRCh38, 1-based): chrX:101,407,734, T>G on the plus strand (A>C on the coding strand, the complement: GLA is on the minus strand). VCF-style: chrX-101407734-T-G. GRCh37 (hg19) VCF-style: chrX-100662722-T-G.
Other names: c.301-4202T>G (NM_001199973.2); c.178-4202T>G (NM_001199974.2); c.170A>C, p.Gln57Pro (NM_001406747.1, NM_001406748.1, NM_001406749.1); short protein forms Q57P.
Identifiers: ClinVar variation 1199177 (VCV001199177.3), dbSNP rs869312260, ClinGen allele CA413936796.

ClinVar aggregate classification (germline): Likely pathogenic (1 of 4 stars; one submission).

Conditions:
Fabry disease. Also called: Fabry's disease; ALPHA-GALACTOSIDASE A DEFICIENCY; ANDERSON-FABRY DISEASE; CERAMIDE TRIHEXOSIDASE DEFICIENCY; GLA DEFICIENCY; HEREDITARY DYSTOPIC LIPIDOSIS. Identifiers: Orphanet 324, MedGen C0002986, MONDO:0010526, OMIM 301500, HP:0001071. Disease mechanism: Fabry disease is due to inactivating mutations in the X-linked GLA gene resulting in deficiency of the enzyme Alpha Galactosidase-A., loss of function.

Submission:

3billion
Classification: Likely pathogenic for Fabry disease. Last evaluated: 2021-08-05. Review status: criteria provided, single submitter. Criteria: ACMG Guidelines, 2015. Collection method: clinical testing. Allele origin: germline. Affected: yes. Observed: 1 heterozygote.
Comment: The heterozygous variant (NM_000169.2:c.170A>C) is absent from gnomAD v2.1.1. It is located in an exonic hotspot where pathogenic variants are frequently reported. Different pathogenic amino acid change [c.164A>T/c.171G>A (p.Asp55Val/Gln57Leu)] has been reported at the same codon (PMID 19387866 and 21598360). Missense variant of GLA gene is a common mechanism associated with Fabry disease. Therefore, this variant is classified as likely pathogenic according to the recommendation of ACMG/AMP guideline.

Literature cited by the submitters: PubMed 19387866; PubMed 21598360.